The following is an entry in ClinVar:

NM_000843.4(GRM6):c.2590G>A (p.Val864Met)

Genes: GRM6 (glutamate metabotropic receptor 6; minus strand), ZNF454 (zinc finger protein 454; plus strand). Cytogenetic location: 5q35.3.
Variant type: single nucleotide variant.
Coding change: c.2590G>A on transcript NM_000843.4 (MANE Select); coding-DNA position 2590, G replaced by A.
Protein change: p.Val864Met; replaces valine 864 with methionine.
Molecular consequence: missense variant.
Genome position (GRCh38, 1-based): chr5:178,981,701, C>T on the plus strand (G>A on the coding strand, the complement: GRM6 is on the minus strand). VCF-style: chr5-178981701-C-T. GRCh37 (hg19) VCF-style: chr5-178408702-C-T.
Other names: short protein forms V864M.
Identifiers: ClinVar variation 1355245 (VCV001355245.6), dbSNP rs2113310718, ClinGen allele CA362422666.

ClinVar aggregate classification (germline): Uncertain significance (1 of 4 stars; one submission).

Allele frequency attached by ClinVar (database versions not stated): gnomAD exomes below 0.00001.
gnomAD v4.1: 2 of 1,614,122 alleles (0.00012%); highest among the groups gnomAD compares: Non-Finnish European, 0.00017%; no homozygotes.

Submission:

Labcorp Genetics (formerly Invitae), Labcorp
Classification: Uncertain significance. Last evaluated: 2022-07-19. Review status: criteria provided, single submitter. Criteria: Invitae Variant Classification Sherloc (09022015). Collection method: clinical testing. Allele origin: germline.
Comment: This variant is not present in population databases (gnomAD no frequency). This variant has not been reported in the literature in individuals affected with GRM6-related conditions. ClinVar contains an entry for this variant (Variation ID: 1355245). Advanced modeling of protein sequence and biophysical properties (such as structural, functional, and spatial information, amino acid conservation, physicochemical variation, residue mobility, and thermodynamic stability) performed at Invitae indicates that this missense variant is not expected to disrupt GRM6 protein function. In summary, the available evidence is currently insufficient to determine the role of this variant in disease. Therefore, it has been classified as a Variant of Uncertain Significance. This sequence change replaces valine, which is neutral and non-polar, with methionine, which is neutral and non-polar, at codon 864 of the GRM6 protein (p.Val864Met).